The following is an entry in ClinVar:

NM_004304.5(ALK):c.4012G>C (p.Val1338Leu)

Gene: ALK (ALK receptor tyrosine kinase; minus strand). Cytogenetic location: 2p23.2.
Variant type: single nucleotide variant.
Coding change: c.4012G>C on transcript NM_004304.5 (MANE Select); coding-DNA position 4012, G replaced by C.
Protein change: p.Val1338Leu; replaces valine 1338 with leucine.
Molecular consequence: missense variant.
Genome position (GRCh38, 1-based): chr2:29,197,603, C>G on the plus strand (G>C on the coding strand, the complement: ALK is on the minus strand). VCF-style: chr2-29197603-C-G. GRCh37 (hg19) VCF-style: chr2-29420469-C-G.
Other names: c.808G>C, p.Val270Leu (NM_001353765.2); short protein forms V1338L, V270L.
Identifiers: ClinVar variation 5035180 (VCV005035180.1).
Genomic context (GRCh38, chr2:29,197,603, plus strand): 5'-CAGGCCCAGGGCAGTTCTTGGGTGGGTCCATCCGGCCTCCACTGGTGACAAACTCCAGAA[C>G]TTCCTGGTTGCTTTTGCTGGGGTATGGCATATATCCAAGAGAAAAGATTTCCCATAGCAG-3'
Protein context (NP_004295.2, residues 1328-1348): MPYPSKSNQE[Val1338Leu]LEFVTSGGRM

ClinVar aggregate classification (germline): Uncertain significance (1 of 4 stars; one submission).

Conditions:
Hereditary cancer-predisposing syndrome. Also called: Hereditary Cancer Syndrome; Neoplastic Syndromes, Hereditary; Tumor predisposition; Hereditary neoplastic syndrome. Identifiers: Orphanet 140162, MedGen C0027672, MeSH D009386, MONDO:0015356.

Submission:

Ambry Genetics
Classification: Uncertain significance for Hereditary cancer-predisposing syndrome. Last evaluated: 2026-07-05. Review status: criteria provided, single submitter. Criteria: Ambry Variant Classification Scheme 2023. Collection method: clinical testing. Allele origin: germline.
Comment: The p.V1338L variant (also known as c.4012G>C), located in coding exon 27 of the ALK gene, results from a G to C substitution at nucleotide position 4012. The valine at codon 1338 is replaced by leucine, an amino acid with highly similar properties. This amino acid position is conserved. In addition, the in silico prediction for this alteration is inconclusive. Based on the available evidence, the clinical significance of this variant remains unclear.